The following is an entry in ClinVar:

ClinVar aggregate classification (germline): Uncertain significance (1 of 4 stars; one submission).

Allele frequency attached by ClinVar (database versions not stated): gnomAD exomes below 0.00001; TOPMed below 0.00001.
gnomAD v4.1: 4 of 1,613,964 alleles (0.00025%); highest among the groups gnomAD compares: Non-Finnish European, 0.00034%; no homozygotes.

Submission:

GeneDx
Classification: Uncertain significance. Last evaluated: 2022-11-04. Review status: criteria provided, single submitter. Criteria: GeneDx Variant Classification Process June 2021. Collection method: clinical testing. Allele origin: germline. Affected: yes.
Comment: In silico analysis supports that this missense variant does not alter protein structure/function; Has not been previously published as pathogenic or benign to our knowledge

NM_138927.4(SON):c.2632T>G (p.Ser878Ala)

Gene: SON (SON DNA and RNA binding protein; plus strand). Cytogenetic location: 21q22.11.
Variant type: single nucleotide variant.
Coding change: c.2632T>G on transcript NM_138927.4 (MANE Select); coding-DNA position 2632, T replaced by G.
Protein change: p.Ser878Ala; replaces serine 878 with alanine.
Molecular consequence: missense variant. On other transcripts: non-coding transcript variant (1), intron variant (1).
Genome position (GRCh38, 1-based): chr21:33,551,863, T>G. VCF-style: chr21-33551863-T-G. GRCh37 (hg19) VCF-style: chr21-34924169-T-G.
Other names: c.2632T>G, p.Ser878Ala (NM_001291411.2, NM_001412133.1, NM_032195.3 and 2 more transcripts); c.245-5293T>G (NM_001291412.3); short protein forms S878A.
Identifiers: ClinVar variation 2501391 (VCV002501391.1), dbSNP rs1569054476, ClinGen allele CA410158417.